The following is an entry in ClinVar:

ClinVar aggregate classification (germline): Uncertain significance (1 of 4 stars; one submission).

Submission:

Labcorp Genetics (formerly Invitae), Labcorp
Classification: Uncertain significance. Last evaluated: 2025-08-24. Review status: criteria provided, single submitter. Criteria: Invitae Variant Classification Sherloc (09022015). Collection method: clinical testing. Allele origin: germline.
Comment: This sequence change replaces threonine, which is neutral and polar, with isoleucine, which is neutral and non-polar, at codon 174 of the SYT2 protein (p.Thr174Ile). This variant is not present in population databases (gnomAD no frequency). This variant has not been reported in the literature in individuals affected with SYT2-related conditions. Invitae Evidence Modeling of protein sequence and biophysical properties (such as structural, functional, and spatial information, amino acid conservation, physicochemical variation, residue mobility, and thermodynamic stability) indicates that this missense variant is expected to disrupt SYT2 protein function with a positive predictive value of 80%. In summary, the available evidence is currently insufficient to determine the role of this variant in disease. Therefore, it has been classified as a Variant of Uncertain Significance.

NM_177402.5(SYT2):c.521C>T (p.Thr174Ile)

Gene: SYT2 (synaptotagmin 2; minus strand). Cytogenetic location: 1q32.1.
Variant type: single nucleotide variant.
Coding change: c.521C>T on transcript NM_177402.5 (MANE Select); coding-DNA position 521, C replaced by T.
Protein change: p.Thr174Ile; replaces threonine 174 with isoleucine.
Molecular consequence: missense variant.
Genome position (GRCh38, 1-based): chr1:202,602,490, G>A on the plus strand (C>T on the coding strand, the complement: SYT2 is on the minus strand). VCF-style: chr1-202602490-G-A. GRCh37 (hg19) VCF-style: chr1-202571618-G-A.
Other names: c.521C>T, p.Thr174Ile (NM_001136504.1); short protein forms T174I.
Identifiers: ClinVar variation 4745210 (VCV004745210.1).